The following is an entry in ClinVar:

ClinVar aggregate classification (germline): Pathogenic (1 of 4 stars; one submission).

Conditions:
Short-rib thoracic dysplasia 8 with or without polydactyly (SRTD8). Also called: SHORT-RIB THORACIC DYSPLASIA 8 WITH POLYDACTYLY. Identifiers: Orphanet 93271, MedGen C3809691, MONDO:0014214, OMIM 615503.

Submission:

Labcorp Genetics (formerly Invitae), Labcorp
Classification: Pathogenic for Short-rib thoracic dysplasia 8 with or without polydactyly. Last evaluated: 2020-06-18. Review status: criteria provided, single submitter. Criteria: Invitae Variant Classification Sherloc (09022015). Collection method: clinical testing. Allele origin: germline.
Comment: This variant is not present in population databases (ExAC no frequency). This sequence change creates a premature translational stop signal (p.Asp326Argfs*31) in the WDR60 gene. It is expected to result in an absent or disrupted protein product. This variant has not been reported in the literature in individuals with WDR60-related conditions. Loss-of-function variants in WDR60 are known to be pathogenic (PMID: 9068549, 23910462). For these reasons, this variant has been classified as Pathogenic.

Literature cited by the submitters: PubMed 9068549; PubMed 23910462.

NM_018051.5(DYNC2I1):c.975dup (p.Asp326fs)

Gene: DYNC2I1 (dynein 2 intermediate chain 1; plus strand). Cytogenetic location: 7q36.3.
Variant type: Duplication.
Coding change: c.975dup on transcript NM_018051.5 (MANE Select); coding-DNA position 975, one base duplicated (A; older notation c.975dupA).
Protein change: p.Asp326fs; shifts the reading frame from aspartic acid 326.
Molecular consequence: frameshift variant. On other transcripts: 5 prime UTR variant (3).
Genome position (GRCh38, 1-based): chr7:158,887,060, A duplicated; the last of 3 consecutive A bases (chr7:158,887,058-158,887,060); duplicating any one gives the same sequence. VCF-style (leftmost placement, unchanged base first): chr7-158887057-T-TA. GRCh37 (hg19) VCF-style: chr7-158679748-T-TA.
Other names: c.837dup, p.Asp280fs (NM_001350914.2); c.402dup, p.Asp135fs (NM_001350915.2); c.-384dup (NM_001350916.2); c.-392dup (NM_001350917.2); c.-511dup (NM_001350918.2); short protein forms D135fs, D280fs, D326fs.
Identifiers: ClinVar variation 1076069 (VCV001076069.7), dbSNP rs1844679510, ClinGen allele CA1756354972.